The following is an entry in ClinVar:

NM_199420.4(POLQ):c.7C>G (p.Leu3Val)

Genes: POLQ (DNA polymerase theta; minus strand), LOC112872292 (Sharpr-MPRA regulatory region 30; plus strand). Cytogenetic location: 3q13.33.
Variant type: single nucleotide variant.
Coding change: c.7C>G on transcript NM_199420.4 (MANE Select); coding-DNA position 7, C replaced by G.
Protein change: p.Leu3Val; replaces leucine 3 with valine.
Molecular consequence: missense variant.
Genome position (GRCh38, 1-based): chr3:121,545,871, G>C on the plus strand (C>G on the coding strand, the complement: POLQ is on the minus strand). VCF-style: chr3-121545871-G-C. GRCh37 (hg19) VCF-style: chr3-121264718-G-C.
Other names: short protein forms L3V.
Identifiers: ClinVar variation 1761588 (VCV001761588.3), dbSNP rs1021459056, ClinGen allele CA81838272.

ClinVar aggregate classification (germline): Uncertain significance (1 of 4 stars; one submission).

gnomAD v4.1: 1 of 1,613,922 alleles (0.000062%); no homozygotes.

Submission:

Ambry Genetics
Classification: Uncertain significance. Last evaluated: 2024-07-19. Review status: criteria provided, single submitter. Criteria: Ambry Variant Classification Scheme 2023. Collection method: clinical testing. Allele origin: germline.
Comment: The p.L3V variant (also known as c.7C>G), located in coding exon 1 of the POLQ gene, results from a C to G substitution at nucleotide position 7. The leucine at codon 3 is replaced by valine, an amino acid with highly similar properties. This amino acid position is conserved. In addition, this alteration is predicted to be tolerated by in silico analysis. Since supporting evidence is limited at this time, the clinical significance of this alteration remains unclear.